The following is an entry in ClinVar:

ClinVar aggregate classification (germline): Benign/Likely benign. Review status: criteria provided, multiple submitters, no conflicts (2 of 4 stars). 8 submissions from 8 submitters: Benign (4); Likely benign (4). Last evaluated 2026-07-15.

Conditions:
TSC1-related disorder. Also called: TSC1-related condition.
Hereditary cancer-predisposing syndrome. Also called: Tumor predisposition; Hereditary neoplastic syndrome; Hereditary Cancer Syndrome; Neoplastic Syndromes, Hereditary. Identifiers: Orphanet 140162, MedGen C0027672, MeSH D009386, MONDO:0015356.
Tuberous sclerosis syndrome (TSC). Also called: Tuberous Sclerosis Complex; Tuberous sclerosis. Identifiers: Orphanet 805, MedGen C0041341, MONDO:0001734.
Tuberous sclerosis 1 (TSC1). Identifiers: Orphanet 805, MedGen C1854465, MONDO:0008612, OMIM 191100.

Allele frequency attached by ClinVar (database versions not stated): gnomAD exomes 0.00001 and 0.00003; gnomAD 0.00002; ExAC 0.00003; TOPMed 0.00004.
gnomAD v4.1: 21 of 1,614,040 alleles (0.0013%); highest among the groups gnomAD compares: East Asian, 0.016%; no homozygotes.

Submissions (8):

PreventionGenetics, part of Exact Sciences
Classification: Likely benign for TSC1-related condition. Last evaluated: 2026-07-15. Review status: criteria provided, single submitter. Criteria: ACMG Guidelines, 2015. Collection method: clinical testing. Allele origin: germline.
Comment: This variant is classified as likely benign based on ACMG/AMP sequence variant interpretation guidelines (Richards et al. 2015 PMID: 25741868, with internal and published modifications).

CeGaT Center for Human Genetics Tuebingen
Classification: Likely benign. Last evaluated: 2026-02-01. Review status: criteria provided, single submitter. Criteria: CeGaT Center For Human Genetics Tuebingen Variant Classification Criteria Version 2. Collection method: clinical testing. Allele origin: germline. Affected: yes. Observed: 2 variant alleles.
Comment: TSC1: BP4, BP7

Labcorp Genetics (formerly Invitae), Labcorp
Classification: Benign for Tuberous sclerosis 1. Last evaluated: 2026-01-15. Review status: criteria provided, single submitter. Criteria: Invitae Variant Classification Sherloc (09022015). Collection method: clinical testing. Allele origin: germline.

Myriad Genetics, Inc.
Classification: Benign for Tuberous sclerosis 1. Last evaluated: 2025-04-07. Review status: criteria provided, single submitter. Criteria: Myriad Autosomal Dominant, Autosomal Recessive and X-Linked Classification Criteria (2023). Collection method: clinical testing. Allele origin: unknown.
Comment: This variant is considered benign. This variant is a silent/synonymous amino acid change and it is not expected to impact splicing.

All of Us Research Program, National Institutes of Health
Classification: Benign for Tuberous sclerosis syndrome. Last evaluated: 2022-12-16. Review status: criteria provided, single submitter. Criteria: ACMG Guidelines, 2015. Collection method: clinical testing. Allele origin: germline. Inheritance: Autosomal dominant inheritance. Observed: 1 variant allele, 1 heterozygote.
Comment: This study involves interpretation of variants in research participants for the purpose of population health screening. Participant phenotype was not available at the time of variant classification. Additional details can be found in publication PMID: 35346344, PMCID: PMC8962531

Color Diagnostics, LLC DBA Color Health
Classification: Benign for Tuberous sclerosis syndrome. Last evaluated: 2022-05-13. Review status: criteria provided, single submitter. Criteria: ACMG Guidelines, 2015. Collection method: clinical testing. Allele origin: germline.

Blueprint Genetics
Classification: Likely benign. Last evaluated: 2022-02-18. Review status: criteria provided, single submitter. Criteria: ACMG Guidelines, 2015. Collection method: clinical testing. Allele origin: germline.

Ambry Genetics
Classification: Likely benign for Hereditary cancer-predisposing syndrome. Last evaluated: 2018-04-19. Review status: criteria provided, single submitter. Criteria: Ambry Variant Classification Scheme 2023. Collection method: clinical testing. Allele origin: germline.

NM_000368.5(TSC1):c.69C>T (p.Asp23=)

Gene: TSC1 (TSC complex subunit 1; minus strand). Cytogenetic location: 9q34.13.
Variant type: single nucleotide variant.
Coding change: c.69C>T on transcript NM_000368.5 (MANE Select); coding-DNA position 69, C replaced by T.
Protein change: p.Asp23=; no amino-acid change (aspartic acid 23 retained).
Molecular consequence: synonymous variant. On other transcripts: 5 prime UTR variant (1).
Genome position (GRCh38, 1-based): chr9:132,928,804, G>A on the plus strand (C>T on the coding strand, the complement: TSC1 is on the minus strand). VCF-style: chr9-132928804-G-A. GRCh37 (hg19) VCF-style: chr9-135804191-G-A.
Other names: c.69C>T, p.Asp23= (NM_001162426.2, NM_001162427.2); c.-191C>T (NM_001362177.2).
Identifiers: ClinVar variation 416654 (VCV000416654.25), dbSNP rs769282604, ClinGen allele CA038574.
Genomic context (GRCh38, chr9:132,928,804, plus strand): 5'-AAAAAGGATATTATTTTGCTAACCAGAATTGAGGTTCTCTTTAAAGACAGCTGTCACGTC[G>A]TCCCGCACACCCAGCATGGGGGAGTCCAGCATGGCAAGAAGCTCCCCGACATTTGCTTGT-3'
Protein context (NP_000359.1, residues 13-33): MLDSPMLGVR[Asp23=]DVTAVFKENL